The following is an entry in ClinVar:

NM_001846.4(COL4A2):c.2587+8C>T

Gene: COL4A2 (collagen type IV alpha 2 chain; plus strand). Cytogenetic location: 13q34.
Variant type: single nucleotide variant.
Coding change: c.2587+8C>T on transcript NM_001846.4 (MANE Select); 8 bases into the intron after coding-DNA position 2587, C replaced by T.
Molecular consequence: intron variant.
Genome position (GRCh38, 1-based): chr13:110,478,172, C>T. VCF-style: chr13-110478172-C-T. GRCh37 (hg19) VCF-style: chr13-111130519-C-T.
Other names: p.?.
Identifiers: ClinVar variation 311150 (VCV000311150.16), dbSNP rs2281974, ClinGen allele CA7049947.

ClinVar aggregate classification (germline): Benign. Review status: criteria provided, multiple submitters, no conflicts (2 of 4 stars). 5 submissions from 5 submitters: Benign (5). Last evaluated 2026-02-03.

Conditions:
Brain small vessel disease 2A, autosomal dominant. Also called: Porencephaly 2. Identifiers: Orphanet 2940, Orphanet 99810, MedGen C3280970, MONDO:0013773, OMIM 614483.

Allele frequency attached by ClinVar (database versions not stated): gnomAD exomes 0.33607 and 0.37531; ESP Exome Variant Server 0.37564; gnomAD 0.38939 and 0.39305; TOPMed 0.39860; ExAC 0.40867; 1000 Genomes Project 30x 0.46752; 1000 Genomes Project 0.46905.
gnomAD v4.1: 537,506 of 1,569,294 alleles (34%); highest among the groups gnomAD compares: African/African-American, 55%; 95,696 homozygotes.

Submissions (5):

Labcorp Genetics (formerly Invitae), Labcorp
Classification: Benign. Last evaluated: 2026-02-03. Review status: criteria provided, single submitter. Criteria: Invitae Variant Classification Sherloc (09022015). Collection method: clinical testing. Allele origin: germline.

Blueprint Genetics
Classification: Benign. Last evaluated: 2024-11-27. Review status: criteria provided, single submitter. Criteria: ACMG Guidelines, 2015. Collection method: clinical testing. Allele origin: germline.

Mayo Clinic Laboratories, Mayo Clinic
Classification: Benign. Last evaluated: 2022-04-26. Review status: criteria provided, single submitter. Criteria: ACMG Guidelines, 2015. Collection method: clinical testing. Allele origin: germline. Observed: 188 variant alleles.

Illumina Laboratory Services, Illumina
Classification: Benign for Brain small vessel disease 2A, autosomal dominant. Last evaluated: 2018-01-13. Review status: criteria provided, single submitter. Criteria: ICSL Variant Classification Criteria 13 December 2019. Collection method: clinical testing. Allele origin: germline.
Comment: This variant was observed in the ICSL laboratory as part of a predisposition screen in an ostensibly healthy population. It had not been previously curated by ICSL or reported in the Human Gene Mutation Database (HGMD: prior to June 1st, 2018), and was therefore a candidate for classification through an automated scoring system. Utilizing variant allele frequency, disease prevalence and penetrance estimates, and inheritance mode, an automated score was calculated to assess if this variant is too frequent to cause the disease. Based on the score and internal cut-off values, a variant classified as benign is not then subjected to further curation. The score for this variant resulted in a classification of benign for this disease.

Breakthrough Genomics
Classification: Benign. Review status: criteria provided, single submitter. Criteria: ACMG Guidelines, 2015. Collection method: not provided. Allele origin: germline. Inheritance: Autosomal dominant inheritance. Affected: yes.